The following is an entry in ClinVar:

NM_001365951.3(KIF1B):c.1434+2T>C

Gene: KIF1B (kinesin family member 1B; plus strand). Cytogenetic location: 1p36.22.
Variant type: single nucleotide variant.
Coding change: c.1434+2T>C on transcript NM_001365951.3 (MANE Select); the canonical splice donor site of the intron after coding-DNA position 1434, T replaced by C.
Molecular consequence: splice donor variant.
Genome position (GRCh38, 1-based): chr1:10,282,535, T>C. VCF-style: chr1-10282535-T-C. GRCh37 (hg19) VCF-style: chr1-10342593-T-C.
Other names: c.1296+2T>C (NM_183416.4, NM_015074.3, NM_001365953.1); c.1434+2T>C (NM_001365952.1).
Identifiers: ClinVar variation 3288404 (VCV003288404.1).

ClinVar aggregate classification (germline): Uncertain significance (1 of 4 stars; one submission).

Submission:

Ambry Genetics
Classification: Uncertain significance. Last evaluated: 2024-03-29. Review status: criteria provided, single submitter. Criteria: Ambry Variant Classification Scheme 2023. Collection method: clinical testing. Allele origin: germline.
Comment: The c.1296+2T>C intronic variant results from a T to C substitution two nucleotides after coding exon 12 in the KIF1B gene. This nucleotide position is highly conserved in available vertebrate species. In silico splice site analysis predicts that this alteration will weaken the native splice donor site. The evidence for this gene-disease relationship is limited; therefore, the clinical significance of this alteration is unclear.